The following is an entry in ClinVar:

ClinVar aggregate classification (germline): Likely benign. Review status: criteria provided, multiple submitters, no conflicts (2 of 4 stars). 4 submissions from 4 submitters: Likely benign (4). Last evaluated 2025-06-18.

Conditions:
Familial thoracic aortic aneurysm and aortic dissection (TAAD). Also called: Thoracic aortic aneurysms and dissections. Identifiers: Orphanet 91387, MedGen C4707243, MONDO:0019625.
Marfan syndrome (MFS). Also called: MARFAN SYNDROME, TYPE I; Marfan syndrome type 1; Marfan's syndrome; Marfan syndrome, classic; FBN1-Related Marfan Syndrome. Identifiers: Orphanet 284963, Orphanet 558, MedGen C0024796, MONDO:0007947, OMIM 154700.

Allele frequency attached by ClinVar (database versions not stated): gnomAD 0.00001; TOPMed below 0.00001.
gnomAD v4.1: 1 of 1,614,022 alleles (0.000062%); highest among the groups gnomAD compares: Non-Finnish European, 0.000085%; no homozygotes.

Submissions (4):

Labcorp Genetics (formerly Invitae), Labcorp
Classification: Likely benign for Marfan syndrome; Familial thoracic aortic aneurysm and aortic dissection. Last evaluated: 2025-06-18. Review status: criteria provided, single submitter. Criteria: Invitae Variant Classification Sherloc (09022015). Collection method: clinical testing. Allele origin: germline.

Ambry Genetics
Classification: Likely benign for Familial thoracic aortic aneurysm and aortic dissection. Last evaluated: 2024-09-02. Review status: criteria provided, single submitter. Criteria: Ambry Variant Classification Scheme 2023. Collection method: clinical testing. Allele origin: germline.

All of Us Research Program, National Institutes of Health
Classification: Likely benign for Marfan syndrome. Last evaluated: 2024-04-25. Review status: criteria provided, single submitter. Criteria: ACMG Guidelines, 2015. Collection method: clinical testing. Allele origin: germline. Inheritance: Autosomal dominant inheritance. Observed: 2 variant alleles, 2 heterozygotes.
Comment: This study involves interpretation of variants in research participants for the purpose of population health screening. Participant phenotype was not available at the time of variant classification. Additional details can be found in publication PMID: 35346344, PMCID: PMC8962531

Blueprint Genetics
Classification: Likely benign. Last evaluated: 2024-01-16. Review status: criteria provided, single submitter. Criteria: ACMG Guidelines, 2015. Collection method: clinical testing. Allele origin: germline.

NM_000138.5(FBN1):c.4065T>A (p.Ile1355=)

Gene: FBN1 (fibrillin 1; minus strand). Cytogenetic location: 15q21.1.
Variant type: single nucleotide variant.
Coding change: c.4065T>A on transcript NM_000138.5 (MANE Select); coding-DNA position 4065, T replaced by A.
Protein change: p.Ile1355=; no amino-acid change (isoleucine 1355 retained).
Molecular consequence: synonymous variant.
Genome position (GRCh38, 1-based): chr15:48,474,550, A>T on the plus strand (T>A on the coding strand, the complement: FBN1 is on the minus strand). VCF-style: chr15-48474550-A-T. GRCh37 (hg19) VCF-style: chr15-48766747-A-T.
Other names: c.4065T>A, p.Ile1355= (NM_001406716.1).
Identifiers: ClinVar variation 2055000 (VCV002055000.7), dbSNP rs1683581440, ClinGen allele CA490015218.